The following is an entry in ClinVar:

ClinVar aggregate classification (germline): Uncertain significance. Review status: criteria provided, multiple submitters, no conflicts (2 of 4 stars). 2 submissions from 2 submitters: Uncertain significance (2). Last evaluated 2025-04-02.

Conditions:
Inborn genetic diseases. Identifiers: MedGen C0950123, MeSH D030342.
Spinocerebellar ataxia, autosomal recessive, with axonal neuropathy 2 (SCAN2). Also called: Ataxia with Oculomotor Apraxia Type 2; Ataxia-ocular apraxia-2; ATAXIA-OCULOMOTOR APRAXIA 2; Ataxia with Oculomotor Apraxia. Identifiers: Orphanet 64753, MedGen C1853761, MONDO:0018996, OMIM 606002.
Amyotrophic lateral sclerosis type 4 (ALS4). Also called: NEURONOPATHY, DISTAL HEREDITARY MOTOR, WITH PYRAMIDAL FEATURES; AMYOTROPHIC LATERAL SCLEROSIS 4, JUVENILE. Identifiers: Orphanet 357043, MedGen C1865409, MONDO:0011223, OMIM 602433.

Submissions (2):

Ambry Genetics
Classification: Uncertain significance for Inborn genetic diseases. Last evaluated: 2025-04-02. Review status: criteria provided, single submitter. Criteria: Ambry Variant Classification Scheme 2023. Collection method: clinical testing. Allele origin: germline.

Labcorp Genetics (formerly Invitae), Labcorp
Classification: Uncertain significance for Amyotrophic lateral sclerosis type 4; Spinocerebellar ataxia, autosomal recessive, with axonal neuropathy 2. Last evaluated: 2021-09-11. Review status: criteria provided, single submitter. Criteria: Invitae Variant Classification Sherloc (09022015). Collection method: clinical testing. Allele origin: germline.
Comment: This sequence change replaces isoleucine with leucine at codon 2264 of the SETX protein (p.Ile2264Leu). The isoleucine residue is highly conserved and there is a small physicochemical difference between isoleucine and leucine. This variant is not present in population databases (ExAC no frequency). This variant has not been reported in the literature in individuals affected with SETX-related conditions. Advanced modeling of protein sequence and biophysical properties (such as structural, functional, and spatial information, amino acid conservation, physicochemical variation, residue mobility, and thermodynamic stability) performed at Invitae indicates that this missense variant is expected to disrupt SETX protein function. In summary, the available evidence is currently insufficient to determine the role of this variant in disease. Therefore, it has been classified as a Variant of Uncertain Significance.

NM_015046.7(SETX):c.6790A>T (p.Ile2264Leu)

Gene: SETX (senataxin; minus strand). Cytogenetic location: 9q34.13.
Variant type: single nucleotide variant.
Coding change: c.6790A>T on transcript NM_015046.7 (MANE Select); coding-DNA position 6790, A replaced by T.
Protein change: p.Ile2264Leu; replaces isoleucine 2264 with leucine.
Molecular consequence: missense variant.
Genome position (GRCh38, 1-based): chr9:132,278,122, T>A on the plus strand (A>T on the coding strand, the complement: SETX is on the minus strand). VCF-style: chr9-132278122-T-A. GRCh37 (hg19) VCF-style: chr9-135153509-T-A.
Other names: c.6790A>T, p.Ile2264Leu (NM_001351527.2, NM_001351528.2); c.6790A>T (NM_015046.5); short protein forms I2264L.
Identifiers: ClinVar variation 1499711 (VCV001499711.7), dbSNP rs1843274414, ClinGen allele CA375330981.
Genomic context (GRCh38, chr9:132,278,122, plus strand): 5'-GAACTCACCTATTTGTTTTTAAGTTTCTGTTATAAACATAATTAGAAGGGAAGAGGCATA[T>A]GTCTGGATGCATCCTGTACTGAACAGTGAGCTGTAGAATGGGCAGCCTGCTGATCATGTT-3'
Protein context (NP_055861.3, residues 2254-2274): LTVQYRMHPD[Ile2264Leu]CLFPSNYVYN